The following is an entry in ClinVar:

ClinVar aggregate classification (germline): Likely benign. Review status: criteria provided, multiple submitters, no conflicts (2 of 4 stars). 4 submissions from 4 submitters: Likely benign (4). Last evaluated 2026-02-02.

Conditions:
Peutz-Jeghers syndrome (PJS). Also called: POLYPOSIS, HAMARTOMATOUS INTESTINAL; POLYPS-AND-SPOTS SYNDROME; Peutz-Jeghers polyposis; Periorificial lentiginosis syndrome. Identifiers: Orphanet 2869, MedGen C0031269, MeSH D010580, MONDO:0008280, OMIM 175200.

Allele frequency attached by ClinVar (database versions not stated): TOPMed 0.00001; gnomAD 0.00002.

Submissions (4):

Labcorp Genetics (formerly Invitae), Labcorp
Classification: Likely benign for Peutz-Jeghers syndrome. Last evaluated: 2026-02-02. Review status: criteria provided, single submitter. Criteria: Invitae Variant Classification Sherloc (09022015). Collection method: clinical testing. Allele origin: germline.

Myriad Genetics, Inc.
Classification: Likely benign for Peutz-Jeghers syndrome. Last evaluated: 2025-03-26. Review status: criteria provided, single submitter. Criteria: Myriad Autosomal Dominant, Autosomal Recessive and X-Linked Classification Criteria (2023). Collection method: clinical testing. Allele origin: unknown.
Comment: This variant is considered likely benign. This variant is intronic and is not expected to impact mRNA splicing.

Women's Health and Genetics/Laboratory Corporation of America, LabCorp
Classification: Likely benign. Last evaluated: 2023-11-22. Review status: criteria provided, single submitter. Criteria: LabCorp Variant Classification Summary - May 2015. Collection method: clinical testing. Allele origin: germline.
Comment: Variant summary: STK11 c.597+9G>A alters a non-conserved nucleotide located at a position not widely known to affect splicing. Consensus agreement among computation tools predict no significant impact on normal splicing. However, these predictions have yet to be confirmed by functional studies. The variant allele was found at a frequency of 4.5e-06 in 219812 control chromosomes. The available data on variant occurrences in the general population are insufficient to allow any conclusion about variant significance. To our knowledge, no occurrence of c.597+9G>A in individuals affected with Peutz-Jeghers Syndrome and no experimental evidence demonstrating its impact on protein function have been reported. Two submitters have cited clinical-significance assessments for this variant to ClinVar after 2014. All submitters classified the variant as likely benign. Based on the evidence outlined above, the variant was classified as likely benign.

GeneDx
Classification: Likely benign. Last evaluated: 2015-12-19. Review status: criteria provided, single submitter. Criteria: GeneDx Variant Classification (06012015). Collection method: clinical testing. Allele origin: germline. Affected: yes.
Comment: This variant is considered likely benign or benign based on one or more of the following criteria: it is a conservative change, it occurs at a poorly conserved position in the protein, it is predicted to be benign by multiple in silico algorithms, and/or has population frequency not consistent with disease.

NM_000455.5(STK11):c.597+9G>A

Gene: STK11 (serine/threonine kinase 11; plus strand). Cytogenetic location: 19p13.3.
Variant type: single nucleotide variant.
Coding change: c.597+9G>A on transcript NM_000455.5 (MANE Select); 9 bases into the intron after coding-DNA position 597, G replaced by A.
Molecular consequence: intron variant.
Genome position (GRCh38, 1-based): chr19:1,220,514, G>A. VCF-style: chr19-1220514-G-A. GRCh37 (hg19) VCF-style: chr19-1220513-G-A.
Identifiers: ClinVar variation 215739 (VCV000215739.13), dbSNP rs863224361, ClinGen allele CA336533.